The following is an entry in ClinVar:

NM_004711.5(SYNGR1):c.483+1398C>T

Gene: SYNGR1 (synaptogyrin 1; plus strand). Cytogenetic location: 22q13.1.
Variant type: single nucleotide variant.
Coding change: c.483+1398C>T on transcript NM_004711.5 (MANE Select); 1398 bases into the intron after coding-DNA position 483, C replaced by T.
Molecular consequence: intron variant.
Genome position (GRCh38, 1-based): chr22:39,377,595, C>T. VCF-style: chr22-39377595-C-T. GRCh37 (hg19) VCF-style: chr22-39773600-C-T.
Other names: c.484-3C>T (NM_145731.4); c.487-3C>T (NM_145738.3).
Identifiers: ClinVar variation 161810 (VCV000161810.2), dbSNP rs193920982, ClinGen allele CA174828.

ClinVar aggregate classification (germline): Uncertain significance (0 of 4 stars; one submission).

Conditions:
Prostate cancer. Also called: Malignant tumor of prostate. Identifiers: Orphanet 1331, MedGen C0376358, MONDO:0008315, HP:0012125.

Submission:

Science for Life laboratory,  Karolinska Institutet
Classification: Uncertain significance for Malignant tumor of prostate. Review status: no assertion criteria provided. Collection method: not provided. Allele origin: somatic.
Comment: TumorID:SWE-4
ClinVar note: Converted during submission from Unknown to Uncertain significance.